The following is an entry in ClinVar:

NM_000282.4(PCCA):c.1073A>G (p.His358Arg)

Gene: PCCA (propionyl-CoA carboxylase subunit alpha; plus strand). Cytogenetic location: 13q32.3.
Variant type: single nucleotide variant.
Coding change: c.1073A>G on transcript NM_000282.4 (MANE Select); coding-DNA position 1073, A replaced by G.
Protein change: p.His358Arg; replaces histidine 358 with arginine.
Molecular consequence: missense variant. On other transcripts: non-coding transcript variant (5), intron variant (3).
Genome position (GRCh38, 1-based): chr13:100,301,467, A>G. VCF-style: chr13-100301467-A-G. GRCh37 (hg19) VCF-style: chr13-100953721-A-G.
Other names: c.995A>G, p.His332Arg (NM_001127692.3, NM_001352607.2); c.1073A>G, p.His358Arg (NM_001178004.2, NM_001352605.2, NM_001352609.2); c.128A>G, p.His43Arg (NM_001352610.2, NM_001352611.2); c.1066-1457A>G (NM_001352606.2); c.121-1457A>G (NM_001352612.2); c.988-1457A>G (NM_001352608.2); short protein forms H332R, H358R, H43R.
Identifiers: ClinVar variation 4293055 (VCV004293055.1).
Genomic context (GRCh38, chr13:100,301,467, plus strand): 5'-CTATTTATTTACCCTTTTCTACACCTACTGACTGGCAGACCTTGGCCTTGCAGGTTGAGC[A>G]TCCTGTCACAGAATGCATTACTGGCCTGGACCTAGTCCAGGAAATGATCCGTGTTGCTAA-3'
Protein context (NP_000273.2, residues 348-368): LEMNTRLQVE[His358Arg]PVTECITGLD

ClinVar aggregate classification (germline): Uncertain significance (1 of 4 stars; one submission).

Conditions:
Propionic acidemia (PROP). Also called: GLYCINEMIA, KETOTIC; HYPERGLYCINEMIA WITH KETOACIDOSIS AND LEUKOPENIA; KETOTIC HYPERGLYCINEMIA. Identifiers: Orphanet 35, MedGen C0268579, MONDO:0011628, OMIM 606054, HP:0003571.

Submission:

3billion
Classification: Uncertain significance for Propionic acidemia. Last evaluated: 2025-02-12. Review status: criteria provided, single submitter. Criteria: ACMG Guidelines, 2015. Collection method: clinical testing. Allele origin: germline. Affected: yes.
Comment: The variant is not observed in the gnomAD v4.1.0 dataset. Predicted Consequence/Location: Missense variant. The majority of the known disease-causing variants of this gene are variants expected to result in premature termination of the protein. In silico tool predictions suggest damaging effect of the variant on gene or gene product [REVEL: 0.95 (>=0.6, sensitivity 0.68 and specificity 0.92); 3Cnet: 0.96 (>=0.6, sensitivity 0.72 and precision 0.9)]. Therefore, this variant is classified as VUS according to the recommendation of ACMG/AMP guideline.